The following is an entry in ClinVar:

ClinVar aggregate classification (germline): Likely benign. Review status: criteria provided, multiple submitters, no conflicts (2 of 4 stars). 2 submissions from 2 submitters: Likely benign (2). Last evaluated 2026-02-01.

Allele frequency attached by ClinVar (database versions not stated): TOPMed below 0.00001; ExAC 0.00001; gnomAD 0.00001; gnomAD exomes 0.00001; ESP Exome Variant Server 0.00008.
gnomAD v4.1: 12 of 1,609,262 alleles (0.00075%); highest among the groups gnomAD compares: South Asian, 0.0066%; no homozygotes.

Submissions (2):

CeGaT Center for Human Genetics Tuebingen
Classification: Likely benign. Last evaluated: 2026-02-01. Review status: criteria provided, single submitter. Criteria: CeGaT Center For Human Genetics Tuebingen Variant Classification Criteria Version 2. Collection method: clinical testing. Allele origin: germline. Affected: yes. Observed: 1 variant allele.
Comment: SIN3A: BP4, BP7

Labcorp Genetics (formerly Invitae), Labcorp
Classification: Likely benign. Last evaluated: 2022-02-25. Review status: criteria provided, single submitter. Criteria: Invitae Variant Classification Sherloc (09022015). Collection method: clinical testing. Allele origin: germline.

NM_001145358.2(SIN3A):c.1770G>A (p.Ser590=)

Gene: SIN3A (SIN3 transcription regulator family member A; minus strand). Cytogenetic location: 15q24.2.
Variant type: single nucleotide variant.
Coding change: c.1770G>A on transcript NM_001145358.2 (MANE Select); coding-DNA position 1770, G replaced by A.
Protein change: p.Ser590=; no amino-acid change (serine 590 retained).
Molecular consequence: synonymous variant.
Genome position (GRCh38, 1-based): chr15:75,400,124, C>T on the plus strand (G>A on the coding strand, the complement: SIN3A is on the minus strand). VCF-style: chr15-75400124-C-T. GRCh37 (hg19) VCF-style: chr15-75692465-C-T.
Other names: c.1770G>A, p.Ser590= (NM_001145357.2, NM_015477.3).
Identifiers: ClinVar variation 1904004 (VCV001904004.9), dbSNP rs373830836, ClinGen allele CA7667591.